The following is an entry in ClinVar:

NM_001365088.1(SLC12A6):c.*2523C>T

Gene: SLC12A6 (solute carrier family 12 member 6; minus strand). Cytogenetic location: 15q14.
Variant type: single nucleotide variant.
Coding change: c.*2523C>T on transcript NM_001365088.1 (MANE Select); 2523 bases downstream of the stop codon, C replaced by T.
Molecular consequence: 3 prime UTR variant.
Genome position (GRCh38, 1-based): chr15:34,231,358, G>A on the plus strand (C>T on the coding strand, the complement: SLC12A6 is on the minus strand). VCF-style: chr15-34231358-G-A. GRCh37 (hg19) VCF-style: chr15-34523559-G-A.
Other names: c.*2523C>T (NM_001042494.2, NM_001042495.2, NM_001042496.2 and 3 more transcripts).
Identifiers: ClinVar variation 315566 (VCV000315566.5), dbSNP rs191826889, ClinGen allele CA10646766.
Genomic context (GRCh38, chr15:34,231,358, plus strand): 5'-GTTGCGGTGAGCCAAGATTGTGCCATTTCACTCCAGCCTGGGCAACAAGAGCGAAACTAC[G>A]TCTCGGAAAAAAAAAAAAAAGATACTGGATCCTGCAGGACATGACTCACTACTGTTAAAC-3'

ClinVar aggregate classification (germline): Benign (1 of 4 stars; one submission).

Conditions:
Agenesis of the corpus callosum with peripheral neuropathy (ACCPN). Also called: CHARLEVOIX DISEASE; POLYNEUROPATHY, SENSORIMOTOR, WITH OR WITHOUT AGENESIS OF THE CORPUS CALLOSUM; HMSN/ACC; Hereditary Motor and Sensory Neuropathy with Agenesis of the Corpus Callosum. Identifiers: Orphanet 1496, MedGen C0795950, MONDO:0000902, OMIM 218000. Disease mechanism: loss of function.

Allele frequency attached by ClinVar (database versions not stated): 1000 Genomes Project 30x 0.03498; 1000 Genomes Project 0.03774; TOPMed 0.05009; gnomAD 0.06162 and 0.06232.

Submission:

Illumina Laboratory Services, Illumina
Classification: Benign for Agenesis of the corpus callosum with peripheral neuropathy. Last evaluated: 2018-01-12. Review status: criteria provided, single submitter. Criteria: ICSL Variant Classification Criteria 13 December 2019. Collection method: clinical testing. Allele origin: germline.
Comment: This variant was observed in the ICSL laboratory as part of a predisposition screen in an ostensibly healthy population. It had not been previously curated by ICSL or reported in the Human Gene Mutation Database (HGMD: prior to June 1st, 2018), and was therefore a candidate for classification through an automated scoring system. Utilizing variant allele frequency, disease prevalence and penetrance estimates, and inheritance mode, an automated score was calculated to assess if this variant is too frequent to cause the disease. Based on the score and internal cut-off values, a variant classified as benign is not then subjected to further curation. The score for this variant resulted in a classification of benign for this disease.